The following is an entry in ClinVar:

NM_001127208.3(TET2):c.1874C>T (p.Thr625Ile)

Genes: TET2 (tet methylcytosine dioxygenase 2; plus strand), TET2-AS1 (TET2 antisense RNA 1; minus strand). Cytogenetic location: 4q24.
Variant type: single nucleotide variant.
Coding change: c.1874C>T on transcript NM_001127208.3 (MANE Select); coding-DNA position 1874, C replaced by T.
Protein change: p.Thr625Ile; replaces threonine 625 with isoleucine.
Molecular consequence: missense variant.
Genome position (GRCh38, 1-based): chr4:105,235,816, C>T. VCF-style: chr4-105235816-C-T. GRCh37 (hg19) VCF-style: chr4-106156973-C-T.
Other names: c.1874C>T, p.Thr625Ile (NM_017628.4); short protein forms T625I.
Identifiers: ClinVar variation 3672461 (VCV003672461.3).

ClinVar aggregate classification (germline): Uncertain significance. Review status: criteria provided, multiple submitters, no conflicts (2 of 4 stars). 2 submissions from 2 submitters: Uncertain significance (2). Last evaluated 2026-03-02.

Conditions:
TET2-related disorder. Also called: TET2-related condition.

gnomAD v4.1: 70 of 1,613,968 alleles (0.0043%); highest among the groups gnomAD compares: Admixed American, 0.017%; no homozygotes.

Submissions (2):

PreventionGenetics, part of Exact Sciences
Classification: Uncertain significance for TET2-related condition. Last evaluated: 2026-03-02. Review status: criteria provided, single submitter. Criteria: ACMG Guidelines, 2015. Collection method: clinical testing. Allele origin: germline.
Comment: The TET2 c.1874C>T variant is predicted to result in the amino acid substitution p.Thr625Ile. To our knowledge, this variant has not been reported in the literature. This variant is reported in 0.014% of alleles in individuals of Latino descent in gnomAD. At this time, the clinical significance of this variant is uncertain due to the absence of conclusive functional and genetic evidence.

Labcorp Genetics (formerly Invitae), Labcorp
Classification: Uncertain significance. Last evaluated: 2025-09-17. Review status: criteria provided, single submitter. Criteria: Invitae Variant Classification Sherloc (09022015). Collection method: clinical testing. Allele origin: germline.
Comment: This sequence change replaces threonine, which is neutral and polar, with isoleucine, which is neutral and non-polar, at codon 625 of the TET2 protein (p.Thr625Ile). This variant is present in population databases (rs772086157, gnomAD 0.01%). This variant has not been reported in the literature in individuals affected with TET2-related conditions. ClinVar contains an entry for this variant (Variation ID: 3672461). An algorithm developed to predict the effect of missense changes on protein structure and function (PolyPhen-2) suggests that this variant is likely to be tolerated. In summary, the available evidence is currently insufficient to determine the role of this variant in disease. Therefore, it has been classified as a Variant of Uncertain Significance.